The following is an entry in ClinVar:

ClinVar aggregate classification (germline): Uncertain significance. Review status: criteria provided, multiple submitters, no conflicts (2 of 4 stars). 2 submissions from 2 submitters: Uncertain significance (2). Last evaluated 2026-04-03.

Conditions:
MC4R-related disorder. Also called: MC4R-related condition.

Submissions (2):

PreventionGenetics, part of Exact Sciences
Classification: Uncertain significance for MC4R-related condition. Last evaluated: 2026-04-03. Review status: criteria provided, single submitter. Criteria: ACMG Guidelines, 2015. Collection method: clinical testing. Allele origin: germline.
Comment: The MC4R c.644T>G variant is predicted to result in the amino acid substitution p.Met215Arg. This variant has been reported both as a single heterozygous variant and in the compound heterozygous state in individuals with early onset obesity (Kleinendorst et al. 2018. PubMed ID: 29970488; Kleinendorst et al. 2020. PubMed ID: 32384097; Rodríguez Rondón et al. 2024. PubMed ID: 38567654). In vitro experimental studies indicate this variant results in reduced protein expression and impacts protein function (Rodríguez Rondón et al. 2024. PubMed ID: 38567654). This variant is also predicted to impact splicing based on available splicing prediction programs (SpliceAI, Jaganathan et al. 2019. PubMed ID: 30661751). This variant is reported in 0.0029% of alleles in individuals of Latino descent in gnomAD. Another missense variant affecting the same amino acid (p.Met215Ile) has been detected in the heterozygous state in individuals with obesity as well as one individual without obesity (De Rosa et al. 2019. PubMed ID: 30811542; Herrfurth et al. 2018. PubMed ID: 30134862). Although we suspect that this variant may be pathogenic, at this time, the clinical significance of this variant is uncertain due to the absence of conclusive functional and genetic evidence.

GeneDx
Classification: Uncertain significance. Last evaluated: 2026-02-23. Review status: criteria provided, single submitter. Criteria: GeneDx Variant Classification Process June 2021. Collection method: clinical testing. Allele origin: germline.
Comment: Reported in published literature in association with obesity (PMID: 29970488, 38567654); Published in vitro functional studies demonstrate a damaging effect through a loss of ligand-induced cAMP activity and a loss of cell surface and total protein expression (PMID: 38567654); In silico analysis supports that this missense variant has a deleterious effect on protein structure/function; In silico analysis suggests this variant may impact gene splicing. In the absence of RNA/functional studies, the actual effect of this sequence change is unknown.; This variant is associated with the following publications: (PMID: 29970488, 38567654)

NM_005912.3(MC4R):c.644T>G (p.Met215Arg)

Gene: MC4R (melanocortin 4 receptor; minus strand). Cytogenetic location: 18q21.32.
Variant type: single nucleotide variant.
Coding change: c.644T>G on transcript NM_005912.3 (MANE Select); coding-DNA position 644, T replaced by G.
Protein change: p.Met215Arg; replaces methionine 215 with arginine.
Molecular consequence: missense variant.
Genome position (GRCh38, 1-based): chr18:60,371,706, A>C on the plus strand (T>G on the coding strand, the complement: MC4R is on the minus strand). VCF-style: chr18-60371706-A-C. GRCh37 (hg19) VCF-style: chr18-58038939-A-C.
Other names: short protein forms M215R.
Identifiers: ClinVar variation 3352329 (VCV003352329.4).